The following is an entry in ClinVar:

ClinVar aggregate classification (germline): Conflicting classifications of pathogenicity. Review status: criteria provided, conflicting classifications (1 of 4 stars). 8 submissions from 8 submitters: Uncertain significance (1); Benign (1); Likely benign (2). 4 of the submissions do not count toward it. Last evaluated 2025-12-18.

Conditions:
Cardiovascular phenotype. Identifiers: MedGen CN230736.
Alstrom syndrome (ALMS). Identifiers: Orphanet 64, MedGen C0268425, MONDO:0008763, OMIM 203800.

Allele frequency attached by ClinVar (database versions not stated): gnomAD 0.00001 and 0.00009; TOPMed 0.00002; gnomAD exomes 0.00025; ExAC 0.00029; 1000 Genomes Project 30x 0.00031; 1000 Genomes Project 0.00040.
gnomAD v4.1: 176 of 1,613,768 alleles (0.011%); highest among the groups gnomAD compares: South Asian, 0.17%; 3 homozygotes.

Submissions (8):

Labcorp Genetics (formerly Invitae), Labcorp
Classification: Benign for Alstrom syndrome. Last evaluated: 2025-12-18. Review status: criteria provided, single submitter. Criteria: Invitae Variant Classification Sherloc (09022015). Collection method: clinical testing. Allele origin: germline.

GeneDx
Classification: Uncertain significance. Last evaluated: 2024-12-13. Review status: criteria provided, single submitter. Criteria: GeneDx Variant Classification Process June 2021. Collection method: clinical testing. Allele origin: germline. Affected: yes.
Comment: In silico analysis supports that this missense variant has a deleterious effect on protein structure/function; Has not been previously published as pathogenic or benign to our knowledge; This variant is associated with the following publications: (PMID: 36685911, 25296579)

Blueprint Genetics
Classification: Likely benign. Last evaluated: 2024-11-21. Review status: criteria provided, single submitter. Criteria: ACMG Guidelines, 2015. Collection method: clinical testing. Allele origin: germline.

Ambry Genetics
Classification: Likely benign for Cardiovascular phenotype. Last evaluated: 2022-06-06. Review status: criteria provided, single submitter. Criteria: Ambry Variant Classification Scheme 2023. Collection method: clinical testing. Allele origin: germline.

Natera, Inc.
Classification: Likely benign for Alstrom syndrome. Last evaluated: 2020-05-05. Review status: no assertion criteria provided. Collection method: clinical testing. Allele origin: germline. Not counted in ClinVar's aggregate classification.

Counsyl
Classification: Uncertain significance for Alstrom syndrome. Last evaluated: 2016-12-28. Review status: no assertion criteria provided. Collection method: clinical testing. Allele origin: unknown. Not counted in ClinVar's aggregate classification.

Clinical Genetics DNA and cytogenetics Diagnostics Lab, Erasmus MC, Erasmus Medical Center
Classification: Likely benign. Review status: no assertion criteria provided. Collection method: clinical testing. Allele origin: germline. Affected: yes. Study: VKGL Data-share Consensus. Not counted in ClinVar's aggregate classification.

Clinical Genetics, Academic Medical Center
Classification: Likely benign. Review status: no assertion criteria provided. Collection method: clinical testing. Allele origin: germline. Affected: yes. Study: VKGL Data-share Consensus. Not counted in ClinVar's aggregate classification.

NM_001378454.1(ALMS1):c.9538C>G (p.Arg3180Gly)

Gene: ALMS1 (ALMS1 centrosome and basal body associated protein; plus strand). Cytogenetic location: 2p13.1.
Variant type: single nucleotide variant.
Coding change: c.9538C>G on transcript NM_001378454.1 (MANE Select); coding-DNA position 9538, C replaced by G.
Protein change: p.Arg3180Gly; replaces arginine 3180 with glycine.
Molecular consequence: missense variant.
Genome position (GRCh38, 1-based): chr2:73,491,497, C>G. VCF-style: chr2-73491497-C-G. GRCh37 (hg19) VCF-style: chr2-73718624-C-G.
Other names: c.9541C>G, p.Arg3181Gly (NM_015120.4); short protein forms R3181G, R3180G.
Identifiers: ClinVar variation 550314 (VCV000550314.24), dbSNP rs563393715, ClinGen allele CA1714678.